The following is an entry in ClinVar:

NM_000256.3(MYBPC3):c.1899G>C (p.Glu633Asp)

Gene: MYBPC3 (myosin binding protein C3; minus strand). Cytogenetic location: 11p11.2.
Variant type: single nucleotide variant.
Coding change: c.1899G>C on transcript NM_000256.3 (MANE Select); coding-DNA position 1899, G replaced by C.
Protein change: p.Glu633Asp; replaces glutamic acid 633 with aspartic acid.
Molecular consequence: missense variant.
Genome position (GRCh38, 1-based): chr11:47,341,031, C>G on the plus strand (G>C on the coding strand, the complement: MYBPC3 is on the minus strand). VCF-style: chr11-47341031-C-G. GRCh37 (hg19) VCF-style: chr11-47362582-C-G.
Other names: short protein forms E633D.
Identifiers: ClinVar variation 921489 (VCV000921489.3), dbSNP rs1206508060, ClinGen allele CA380323404.

ClinVar aggregate classification (germline): Uncertain significance (1 of 4 stars; one submission).

Conditions:
Cardiomyopathy (CMYO). Also called: Cardiomyopathies. Identifiers: Orphanet 167848, MedGen C0878544, MONDO:0004994, HP:0001638. Inheritance: Various modes of inheritance.

Submission:

Color Diagnostics, LLC DBA Color Health
Classification: Uncertain significance for Cardiomyopathy. Last evaluated: 2019-04-30. Review status: criteria provided, single submitter. Criteria: ACMG Guidelines, 2015. Collection method: clinical testing. Allele origin: germline.
Comment: This missense variant replaces glutamic acid with aspartic acid at codon 633 of the MYBPC3 protein. Computational prediction tools and conservation analyses are inconclusive regarding the impact of this variant on the protein function. Computational splicing tools suggest that this variant may not impact RNA splicing. To our knowledge, functional assays have not been performed for this variant nor has this variant been reported in individuals affected with cardiovascular disorders in the literature. This variant has not been identified in the general population by the Genome Aggregation Database (gnomAD). Available evidence is insufficient to determine the role of this variant in disease conclusively. Therefore, this variant is classified as a Variant of Uncertain Significance.